The following is an entry in ClinVar:

ClinVar aggregate classification (germline): Uncertain significance (1 of 4 stars; one submission).

Conditions:
Susceptibility to respiratory infections associated with CD8alpha chain mutation (IMD116). Also called: Cd8 deficiency, familial; IMMUNODEFICIENCY 116. Identifiers: Orphanet 169085, MedGen C1837065, MONDO:0012161, OMIM 608957.

Submission:

Labcorp Genetics (formerly Invitae), Labcorp
Classification: Uncertain significance for Susceptibility to respiratory infections associated with CD8alpha chain mutation. Last evaluated: 2025-08-09. Review status: criteria provided, single submitter. Criteria: Invitae Variant Classification Sherloc (09022015). Collection method: clinical testing. Allele origin: germline.
Comment: This sequence change falls in intron 4 of the CD8A gene. It does not directly change the encoded amino acid sequence of the CD8A protein. It affects a nucleotide within the consensus splice site. This variant is present in population databases (no rsID available, gnomAD 0.007%). This variant has not been reported in the literature in individuals affected with CD8A-related conditions. Variants that disrupt the consensus splice site are a relatively common cause of aberrant splicing (PMID: 17576681, 9536098). Algorithms developed to predict the effect of sequence changes on RNA splicing suggest that this variant may disrupt the consensus splice site. In summary, the available evidence is currently insufficient to determine the role of this variant in disease. Therefore, it has been classified as a Variant of Uncertain Significance.

Literature cited by the submitters: PubMed 17576681; PubMed 9536098.

NM_001768.7(CD8A):c.625+5G>A

Gene: CD8A (CD8 subunit alpha; minus strand). Cytogenetic location: 2p11.2.
Variant type: single nucleotide variant.
Coding change: c.625+5G>A on transcript NM_001768.7 (MANE Select); 5 bases into the intron after coding-DNA position 625, G replaced by A.
Molecular consequence: intron variant.
Genome position (GRCh38, 1-based): chr2:86,789,318, C>T on the plus strand (G>A on the coding strand, the complement: CD8A is on the minus strand). VCF-style: chr2-86789318-C-T. GRCh37 (hg19) VCF-style: chr2-87016441-C-T.
Other names: c.625+5G>A (NM_001145873.1, NM_001382698.1); c.514+322G>A (NM_171827.4).
Identifiers: ClinVar variation 4712220 (VCV004712220.1).
Genomic context (GRCh38, chr2:86,789,318, plus strand): 5'-GAGCTAGCAGAGCCAAGGGCAGGAGCGGGGCCGACTCCTTCCCGCCGCGATTCCTCGGGA[C>T]TTACTGTGGTTGCAGTAAAGGGTGATAACCAGTGACAGGAGAAGGACCCCACAAGTCCCG-3'